The following is an entry in ClinVar:

ClinVar aggregate classification (germline): Uncertain significance. Review status: criteria provided, multiple submitters, no conflicts (2 of 4 stars). 3 submissions from 3 submitters: Uncertain significance (3). Last evaluated 2025-10-29.

Conditions:
Inborn genetic diseases. Identifiers: MedGen C0950123, MeSH D030342.

Allele frequency attached by ClinVar (database versions not stated): ExAC 0.00001; gnomAD 0.00001; TOPMed 0.00001.
gnomAD v4.1: 27 of 1,613,828 alleles (0.0017%); highest among the groups gnomAD compares: Non-Finnish European, 0.0021%; no homozygotes.

Submissions (3):

Ambry Genetics
Classification: Uncertain significance for Inborn genetic diseases. Last evaluated: 2025-10-29. Review status: criteria provided, single submitter. Criteria: Ambry Variant Classification Scheme 2023. Collection method: clinical testing. Allele origin: germline.

Blueprint Genetics
Classification: Uncertain significance. Last evaluated: 2024-04-17. Review status: criteria provided, single submitter. Criteria: ACMG Guidelines, 2015. Collection method: clinical testing. Allele origin: germline.

Labcorp Genetics (formerly Invitae), Labcorp
Classification: Uncertain significance. Last evaluated: 2022-07-06. Review status: criteria provided, single submitter. Criteria: Invitae Variant Classification Sherloc (09022015). Collection method: clinical testing. Allele origin: germline.
Comment: This sequence change replaces arginine, which is basic and polar, with serine, which is neutral and polar, at codon 1085 of the CNGB1 protein (p.Arg1085Ser). Advanced modeling of protein sequence and biophysical properties (such as structural, functional, and spatial information, amino acid conservation, physicochemical variation, residue mobility, and thermodynamic stability) performed at Invitae indicates that this missense variant is not expected to disrupt CNGB1 protein function. ClinVar contains an entry for this variant (Variation ID: 1362439). This variant has not been reported in the literature in individuals affected with CNGB1-related conditions. This variant is present in population databases (rs772055206, gnomAD 0.003%). In summary, the available evidence is currently insufficient to determine the role of this variant in disease. Therefore, it has been classified as a Variant of Uncertain Significance.

NM_001297.5(CNGB1):c.3255A>T (p.Arg1085Ser)

Gene: CNGB1 (cyclic nucleotide gated channel subunit beta 1; minus strand). Cytogenetic location: 16q21.
Variant type: single nucleotide variant.
Coding change: c.3255A>T on transcript NM_001297.5 (MANE Select); coding-DNA position 3255, A replaced by T.
Protein change: p.Arg1085Ser; replaces arginine 1085 with serine.
Molecular consequence: missense variant.
Genome position (GRCh38, 1-based): chr16:57,888,062, T>A on the plus strand (A>T on the coding strand, the complement: CNGB1 is on the minus strand). VCF-style: chr16-57888062-T-A. GRCh37 (hg19) VCF-style: chr16-57921966-T-A.
Other names: c.3255A>T (NM_001297.4); c.3237A>T, p.Arg1079Ser (NM_001286130.2); short protein forms R1079S, R1085S.
Identifiers: ClinVar variation 1362439 (VCV001362439.8), dbSNP rs772055206, ClinGen allele CA8082610.